The following is an entry in ClinVar:

NM_001376.5(DYNC1H1):c.6854G>C (p.Arg2285Thr)

Gene: DYNC1H1 (dynein cytoplasmic 1 heavy chain 1; plus strand). Cytogenetic location: 14q32.31.
Variant type: single nucleotide variant.
Coding change: c.6854G>C on transcript NM_001376.5 (MANE Select); coding-DNA position 6854, G replaced by C.
Protein change: p.Arg2285Thr; replaces arginine 2285 with threonine.
Molecular consequence: missense variant.
Genome position (GRCh38, 1-based): chr14:102,012,110, G>C. VCF-style: chr14-102012110-G-C. GRCh37 (hg19) VCF-style: chr14-102478447-G-C.
Other names: short protein forms R2285T.
Identifiers: ClinVar variation 1304410 (VCV001304410.2), dbSNP rs2152579154, ClinGen allele CA391058218.

ClinVar aggregate classification (germline): Uncertain significance (1 of 4 stars; one submission).

Submission:

GeneDx
Classification: Uncertain significance. Last evaluated: 2019-09-30. Review status: criteria provided, single submitter. Criteria: GeneDx Variant Classification Process June 2021. Collection method: clinical testing. Allele origin: germline. Affected: yes.
Comment: In silico analysis, which includes protein predictors and evolutionary conservation, supports a deleterious effect; Has not been previously published as pathogenic or benign to our knowledge; Not observed in large population cohorts (Lek et al., 2016)